The following is an entry in ClinVar:

NM_001330.5(CTF1):c.560G>A (p.Arg187His)

Genes: CTF1 (cardiotrophin 1; plus strand), LOC130058878 (ATAC-STARR-seq lymphoblastoid silent region 7400; plus strand). Cytogenetic location: 16p11.2.
Variant type: single nucleotide variant.
Coding change: c.560G>A on transcript NM_001330.5 (MANE Select); coding-DNA position 560, G replaced by A.
Protein change: p.Arg187His; replaces arginine 187 with histidine.
Molecular consequence: missense variant. On other transcripts: non-coding transcript variant (1).
Genome position (GRCh38, 1-based): chr16:30,902,493, G>A. VCF-style: chr16-30902493-G-A. GRCh37 (hg19) VCF-style: chr16-30913814-G-A.
Other names: c.557G>A, p.Arg186His (NM_001142544.3); short protein forms R187H, R186H.
Identifiers: ClinVar variation 2836765 (VCV002836765.3), dbSNP rs2543742067, ClinGen allele CA395619735.
Genomic context (GRCh38, chr16:30,902,493, plus strand): 5'-TCTTCCCCGCCAAGGTGCTGGGGCTCCGCGTTTGCGGCCTCTACCGCGAGTGGCTGAGCC[G>A]CACCGAGGGCGACCTGGGCCAGCTGCTGCCCGGGGGCTCGGCCTGAGCGCCGCGGGGCAG-3'
Protein context (NP_001321.1, residues 177-197): VCGLYREWLS[Arg187His]TEGDLGQLLP

ClinVar aggregate classification (germline): Uncertain significance (1 of 4 stars; one submission).

Allele frequency attached by ClinVar (database versions not stated): gnomAD exomes 0.00001.
gnomAD v4.1: 3 of 1,485,292 alleles (0.0002%); highest among the groups gnomAD compares: East Asian, 0.0028%; no homozygotes.

Submission:

Labcorp Genetics (formerly Invitae), Labcorp
Classification: Uncertain significance. Last evaluated: 2023-12-25. Review status: criteria provided, single submitter. Criteria: Invitae Variant Classification Sherloc (09022015). Collection method: clinical testing. Allele origin: germline.
Comment: This sequence change replaces arginine, which is basic and polar, with histidine, which is basic and polar, at codon 187 of the CTF1 protein (p.Arg187His). This variant is not present in population databases (gnomAD no frequency). This variant has not been reported in the literature in individuals affected with CTF1-related conditions. An algorithm developed to predict the effect of missense changes on protein structure and function (PolyPhen-2) suggests that this variant is likely to be disruptive. In summary, the available evidence is currently insufficient to determine the role of this variant in disease. Therefore, it has been classified as a Variant of Uncertain Significance.